The following is an entry in ClinVar:

NM_025081.3(NYNRIN):c.3734G>A (p.Arg1245Gln)

Gene: NYNRIN (NYN domain and retroviral integrase containing; plus strand). Cytogenetic location: 14q12.
Variant type: single nucleotide variant.
Coding change: c.3734G>A on transcript NM_025081.3 (MANE Select); coding-DNA position 3734, G replaced by A.
Protein change: p.Arg1245Gln; replaces arginine 1245 with glutamine.
Molecular consequence: missense variant.
Genome position (GRCh38, 1-based): chr14:24,415,483, G>A. VCF-style: chr14-24415483-G-A. GRCh37 (hg19) VCF-style: chr14-24884689-G-A.
Other names: short protein forms R1245Q.
Identifiers: ClinVar variation 2384045 (VCV002384045.4), dbSNP rs368016452, ClinGen allele CA7137295.

ClinVar aggregate classification (germline): Uncertain significance. Review status: criteria provided, multiple submitters, no conflicts (2 of 4 stars). 2 submissions from 2 submitters: Uncertain significance (2). Last evaluated 2024-11-18.

Allele frequency attached by ClinVar (database versions not stated): ExAC 0.00002; TOPMed 0.00004; ESP Exome Variant Server 0.00008.
gnomAD v4.1: 86 of 1,613,722 alleles (0.0053%); highest among the groups gnomAD compares: Non-Finnish European, 0.0065%; no homozygotes.

Submissions (2):

Labcorp Genetics (formerly Invitae), Labcorp
Classification: Uncertain significance. Last evaluated: 2024-11-18. Review status: criteria provided, single submitter. Criteria: Invitae Variant Classification Sherloc (09022015). Collection method: clinical testing. Allele origin: germline.
Comment: This sequence change replaces arginine, which is basic and polar, with glutamine, which is neutral and polar, at codon 1245 of the NYNRIN protein (p.Arg1245Gln). This variant is present in population databases (rs368016452, gnomAD 0.006%). This variant has not been reported in the literature in individuals affected with NYNRIN-related conditions. ClinVar contains an entry for this variant (Variation ID: 2384045). Experimental studies and prediction algorithms are not available or were not evaluated, and the functional significance of this variant is currently unknown. In summary, the available evidence is currently insufficient to determine the role of this variant in disease. Therefore, it has been classified as a Variant of Uncertain Significance.

Ambry Genetics
Classification: Uncertain significance. Last evaluated: 2022-12-01. Review status: criteria provided, single submitter. Criteria: Ambry Variant Classification Scheme 2023. Collection method: clinical testing. Allele origin: germline.